The following is an entry in ClinVar:

ClinVar aggregate classification (germline): Uncertain significance. Review status: criteria provided, multiple submitters, no conflicts (2 of 4 stars). 2 submissions from 2 submitters: Uncertain significance (2). Last evaluated 2025-02-28.

Allele frequency attached by ClinVar (database versions not stated): gnomAD exomes below 0.00001; TOPMed 0.00001.

Submissions (2):

GeneDx
Classification: Uncertain significance. Last evaluated: 2025-02-28. Review status: criteria provided, single submitter. Criteria: GeneDx Variant Classification Process June 2021. Collection method: clinical testing. Allele origin: germline. Affected: yes.
Comment: Not observed at significant frequency in large population cohorts (gnomAD); In silico analysis indicates that this missense variant does not alter protein structure/function; Has not been previously published as pathogenic or benign to our knowledge

Labcorp Genetics (formerly Invitae), Labcorp
Classification: Uncertain significance. Last evaluated: 2024-01-17. Review status: criteria provided, single submitter. Criteria: Invitae Variant Classification Sherloc (09022015). Collection method: clinical testing. Allele origin: germline.
Comment: This sequence change replaces aspartic acid, which is acidic and polar, with glutamic acid, which is acidic and polar, at codon 73 of the WHRN protein (p.Asp73Glu). This variant is present in population databases (no rsID available, gnomAD 0.003%). This variant has not been reported in the literature in individuals affected with WHRN-related conditions. ClinVar contains an entry for this variant (Variation ID: 1480670). An algorithm developed to predict the effect of missense changes on protein structure and function (PolyPhen-2) suggests that this variant is likely to be disruptive. In summary, the available evidence is currently insufficient to determine the role of this variant in disease. Therefore, it has been classified as a Variant of Uncertain Significance.

NM_015404.4(WHRN):c.219C>G (p.Asp73Glu)

Gene: WHRN (whirlin; minus strand). Cytogenetic location: 9q32.
Variant type: single nucleotide variant.
Coding change: c.219C>G on transcript NM_015404.4 (MANE Select); coding-DNA position 219, C replaced by G.
Protein change: p.Asp73Glu; replaces aspartic acid 73 with glutamic acid.
Molecular consequence: missense variant.
Genome position (GRCh38, 1-based): chr9:114,504,583, G>C on the plus strand (C>G on the coding strand, the complement: WHRN is on the minus strand). VCF-style: chr9-114504583-G-C. GRCh37 (hg19) VCF-style: chr9-117266863-G-C.
Other names: c.219C>G (NM_015404.2); c.219C>G, p.Asp73Glu (NM_001173425.2); short protein forms D73E.
Identifiers: ClinVar variation 1480670 (VCV001480670.5), dbSNP rs1321762587, ClinGen allele CA374613623.
Genomic context (GRCh38, chr9:114,504,583, plus strand): 5'-CATGGGCAGCAGGCGCCGCTTGACCGGACTGTCCAGCAGCACGCGCAGGGTGCGCACCAG[G>C]TCGAAGACGTTGCGGCGCGCGTGGTAAGCGTTCAGGCAGTGGGTGAACTGCTCCCGCTCC-3'
Protein context (NP_056219.3, residues 63-83): NAYHARRNVF[Asp73Glu]LVRTLRVLLD